The following is an entry in ClinVar:

ClinVar aggregate classification (germline): Likely pathogenic (1 of 4 stars; one submission).

Submission:

Genetic Services Laboratory, University of Chicago
Classification: Likely pathogenic. Last evaluated: 2023-10-06. Review status: criteria provided, single submitter. Criteria: ACMG Guidelines, 2015. Collection method: clinical testing. Allele origin: germline. Affected: yes.
Comment: This sequence change, c.1958G>A, results in the creation of a premature stop codon at amino acid position 653, p.Trp653*. This sequence change is predicted to result in an abnormal transcript, which may be degraded, or may lead to the production of a truncated LARGE1 protein with potentially abnormal function. This sequence change has not been described in population databases such as ExAC and gnomAD. This sequence change has not been described in individuals with LARGE1-related disorders but other loss-of-function variants in LARGE1 are known to be pathogenic (PMID: 12966029, 17878207). Collectively, this evidence indicates that this sequence change is likely pathogenic, however functional studies have not been performed to prove this conclusively.

NM_133642.5(LARGE1):c.1958G>A (p.Trp653Ter)

Gene: LARGE1 (LARGE xylosyl- and glucuronyltransferase 1; minus strand). Cytogenetic location: 22q12.3.
Variant type: single nucleotide variant.
Coding change: c.1958G>A on transcript NM_133642.5 (MANE Select); coding-DNA position 1958, G replaced by A.
Protein change: p.Trp653Ter; replaces tryptophan 653 with a stop codon.
Molecular consequence: nonsense.
Genome position (GRCh38, 1-based): chr22:33,277,175, C>T on the plus strand (G>A on the coding strand, the complement: LARGE1 is on the minus strand). VCF-style: chr22-33277175-C-T. GRCh37 (hg19) VCF-style: chr22-33673161-C-T.
Other names: c.1052G>A, p.Trp351Ter (NM_001378631.1); c.1958G>A, p.Trp653Ter (NM_004737.7, NM_001362949.2, NM_001362951.2 and 4 more transcripts); c.1811G>A, p.Trp604Ter (NM_001378627.1, NM_001378628.1); c.1802G>A, p.Trp601Ter (NM_001378629.1); c.1355G>A, p.Trp452Ter (NM_001378630.1); short protein forms W351*, W452*, W601*, W604*, W653*.
Identifiers: ClinVar variation 4082463 (VCV004082463.2).